The following is an entry in ClinVar:

ClinVar aggregate classification (germline): Uncertain significance (1 of 4 stars; one submission).

Conditions:
Developmental and epileptic encephalopathy, 31A. Also called: Epileptic encephalopathy, early infantile, 31; Developmental and epileptic encephalopathy, 31. Identifiers: Orphanet 2382, MedGen C4225357, MONDO:0014598, OMIM 616346.

Submission:

Labcorp Genetics (formerly Invitae), Labcorp
Classification: Uncertain significance for Developmental and epileptic encephalopathy, 31A. Last evaluated: 2022-03-19. Review status: criteria provided, single submitter. Criteria: Invitae Variant Classification Sherloc (09022015). Collection method: clinical testing. Allele origin: germline.
Comment: This variant has not been reported in the literature in individuals affected with DNM1-related conditions. This variant is not present in population databases (gnomAD no frequency). This sequence change replaces tyrosine, which is neutral and polar, with histidine, which is basic and polar, at codon 563 of the DNM1 protein (p.Tyr563His). Algorithms developed to predict the effect of missense changes on protein structure and function are either unavailable or do not agree on the potential impact of this missense change (SIFT: "Deleterious"; PolyPhen-2: "Probably Damaging"; Align-GVGD: "Class C0"). In summary, the available evidence is currently insufficient to determine the role of this variant in disease. Therefore, it has been classified as a Variant of Uncertain Significance.

NM_004408.4(DNM1):c.1687T>C (p.Tyr563His)

Gene: DNM1 (dynamin 1; plus strand). Cytogenetic location: 9q34.11.
Variant type: single nucleotide variant.
Coding change: c.1687T>C on transcript NM_004408.4 (MANE Select); coding-DNA position 1687, T replaced by C.
Protein change: p.Tyr563His; replaces tyrosine 563 with histidine.
Molecular consequence: missense variant.
Genome position (GRCh38, 1-based): chr9:128,246,409, T>C. VCF-style: chr9-128246409-T-C. GRCh37 (hg19) VCF-style: chr9-131008688-T-C.
Other names: c.1687T>C, p.Tyr563His (NM_001005336.3, NM_001288737.2, NM_001288738.2 and 2 more transcripts); short protein forms Y563H.
Identifiers: ClinVar variation 2114513 (VCV002114513.4), dbSNP rs2539098805, ClinGen allele CA375026829.